The following is an entry in ClinVar:

ClinVar aggregate classification (germline): Pathogenic/Likely pathogenic. Review status: criteria provided, multiple submitters, no conflicts (2 of 4 stars). 2 submissions from 2 submitters: Pathogenic (1); Likely pathogenic (1). Last evaluated 2024-03-11.

Conditions:
EMC1-related disorder. Also called: EMC1-related condition.

Submissions (2):

Labcorp Genetics (formerly Invitae), Labcorp
Classification: Pathogenic. Last evaluated: 2024-03-11. Review status: criteria provided, single submitter. Criteria: Invitae Variant Classification Sherloc (09022015). Collection method: clinical testing. Allele origin: germline.
Comment: This sequence change creates a premature translational stop signal (p.Ser747Hisfs*6) in the EMC1 gene. It is expected to result in an absent or disrupted protein product. Loss-of-function variants in EMC1 are known to be pathogenic (PMID: 26572623, 26942288, 29271071). This variant is not present in population databases (gnomAD no frequency). This variant has not been reported in the literature in individuals affected with EMC1-related conditions. For these reasons, this variant has been classified as Pathogenic.

Blueprint Genetics
Classification: Likely pathogenic for EMC1-related disorders. Last evaluated: 2022-04-11. Review status: criteria provided, single submitter. Criteria: ACMG Guidelines, 2015. Collection method: clinical testing. Allele origin: germline. Affected: yes. Observed: 1 variant allele.

Literature cited by the submitters: PubMed 26572623 (cited by Labcorp Genetics (formerly Invitae), Labcorp); PubMed 26942288 (cited by Labcorp Genetics (formerly Invitae), Labcorp); PubMed 29271071 (cited by Labcorp Genetics (formerly Invitae), Labcorp).

NM_015047.3(EMC1):c.2239_2240del (p.Ser747fs)

Genes: EMC1 (ER membrane protein complex subunit 1; minus strand), EMC1-AS1 (EMC1 antisense RNA 1; plus strand). Cytogenetic location: 1p36.13.
Variant type: Microsatellite.
Coding change: c.2239_2240del on transcript NM_015047.3 (MANE Select); coding-DNA positions 2239 to 2240, 2 bases deleted (AG; older notation c.2239_2240delAG).
Protein change: p.Ser747fs; shifts the reading frame from serine 747.
Molecular consequence: frameshift variant.
Genome position (GRCh38, 1-based): chr1:19,223,532-19,223,533, CT deleted on the plus strand (AG on the coding strand, the reverse complement: EMC1 is on the minus strand); deleting any 2 consecutive bases within chr1:19,223,532-19,223,537 gives the same sequence; the c. name uses the placement nearest the transcript's 3' end. VCF-style (leftmost placement, unchanged base first): chr1-19223531-GCT-G. GRCh37 (hg19) VCF-style: chr1-19550025-GCT-G.
Other names: c.2236_2237del, p.Ser746fs (NM_001271427.2, NM_001271428.2); c.2173_2174del, p.Ser725fs (NM_001271429.2); c.2248_2249del, p.Ser750fs (NM_001375820.1); c.2245_2246del, p.Ser749fs (NM_001375821.1); short protein forms S747fs, S725fs, S749fs, S746fs, S750fs.
Identifiers: ClinVar variation 1452472 (VCV001452472.7), dbSNP rs773033814, ClinGen allele CA729224146.